The following is an entry in ClinVar:

ClinVar aggregate classification (germline): Uncertain significance (1 of 4 stars; one submission).

Conditions:
Primary ciliary dyskinesia. Also called: Ciliary dyskinesia. Identifiers: Orphanet 244, MedGen C0008780, MONDO:0016575, HP:0012265.

Submission:

Labcorp Genetics (formerly Invitae), Labcorp
Classification: Uncertain significance for Primary ciliary dyskinesia. Last evaluated: 2024-11-13. Review status: criteria provided, single submitter. Criteria: Invitae Variant Classification Sherloc (09022015). Collection method: clinical testing. Allele origin: germline.
Comment: This sequence change replaces asparagine, which is neutral and polar, with lysine, which is basic and polar, at codon 1499 of the DNAH11 protein (p.Asn1499Lys). This variant is not present in population databases (gnomAD no frequency). This variant has not been reported in the literature in individuals affected with DNAH11-related conditions. Invitae Evidence Modeling of protein sequence and biophysical properties (such as structural, functional, and spatial information, amino acid conservation, physicochemical variation, residue mobility, and thermodynamic stability) indicates that this missense variant is not expected to disrupt DNAH11 protein function with a negative predictive value of 95%. In summary, the available evidence is currently insufficient to determine the role of this variant in disease. Therefore, it has been classified as a Variant of Uncertain Significance.

NM_001277115.2(DNAH11):c.4497C>G (p.Asn1499Lys)

Gene: DNAH11 (dynein axonemal heavy chain 11; plus strand). Cytogenetic location: 7p15.3.
Variant type: single nucleotide variant.
Coding change: c.4497C>G on transcript NM_001277115.2 (MANE Select); coding-DNA position 4497, C replaced by G.
Protein change: p.Asn1499Lys; replaces asparagine 1499 with lysine.
Molecular consequence: missense variant.
Genome position (GRCh38, 1-based): chr7:21,620,075, C>G. VCF-style: chr7-21620075-C-G. GRCh37 (hg19) VCF-style: chr7-21659693-C-G.
Other names: short protein forms N1499K.
Identifiers: ClinVar variation 3695599 (VCV003695599.2).